The following is an entry in ClinVar:

ClinVar aggregate classification (germline): Uncertain significance. Review status: criteria provided, multiple submitters, no conflicts (2 of 4 stars). 2 submissions from 2 submitters: Uncertain significance (2). Last evaluated 2024-10-29.

Conditions:
Inborn genetic diseases. Identifiers: MedGen C0950123, MeSH D030342.

Allele frequency attached by ClinVar (database versions not stated): gnomAD 0.00001; TOPMed 0.00003; ExAC 0.00004; 1000 Genomes Project 0.00040; 1000 Genomes Project 30x 0.00062.
gnomAD v4.1: 13 of 1,552,212 alleles (0.00084%); highest among the groups gnomAD compares: East Asian, 0.02%; no homozygotes.

Submissions (2):

Labcorp Genetics (formerly Invitae), Labcorp
Classification: Uncertain significance. Last evaluated: 2024-10-29. Review status: criteria provided, single submitter. Criteria: Invitae Variant Classification Sherloc (09022015). Collection method: clinical testing. Allele origin: germline.
Comment: This sequence change replaces histidine, which is basic and polar, with aspartic acid, which is acidic and polar, at codon 546 of the ZSWIM6 protein (p.His546Asp). This variant is present in population databases (rs190856393, gnomAD 0.06%). This variant has not been reported in the literature in individuals affected with ZSWIM6-related conditions. ClinVar contains an entry for this variant (Variation ID: 1359289). An algorithm developed to predict the effect of missense changes on protein structure and function (PolyPhen-2) suggests that this variant is likely to be tolerated. In summary, the available evidence is currently insufficient to determine the role of this variant in disease. Therefore, it has been classified as a Variant of Uncertain Significance.

Ambry Genetics
Classification: Uncertain significance for Inborn genetic diseases. Last evaluated: 2023-04-25. Review status: criteria provided, single submitter. Criteria: Ambry Variant Classification Scheme 2023. Collection method: clinical testing. Allele origin: germline.

NM_020928.2(ZSWIM6):c.1636C>G (p.His546Asp)

Gene: ZSWIM6 (zinc finger SWIM-type containing 6; plus strand). Cytogenetic location: 5q12.1.
Variant type: single nucleotide variant.
Coding change: c.1636C>G on transcript NM_020928.2 (MANE Select); coding-DNA position 1636, C replaced by G.
Protein change: p.His546Asp; replaces histidine 546 with aspartic acid.
Molecular consequence: missense variant.
Genome position (GRCh38, 1-based): chr5:61,525,922, C>G. VCF-style: chr5-61525922-C-G. GRCh37 (hg19) VCF-style: chr5-60821749-C-G.
Other names: c.1636C>G (NM_020928.1); short protein forms H546D.
Identifiers: ClinVar variation 1359289 (VCV001359289.7), dbSNP rs190856393, ClinGen allele CA3278366.